The following is an entry in ClinVar:

NM_002474.3(MYH11):c.4176G>A (p.Glu1392=)

Genes: NDE1 (nudE neurodevelopment protein 1; plus strand), MYH11 (myosin heavy chain 11; minus strand). Cytogenetic location: 16p13.11.
Variant type: single nucleotide variant.
Coding change: c.4176G>A on transcript NM_002474.3 (MANE Select); coding-DNA position 4176, G replaced by A.
Protein change: p.Glu1392=; no amino-acid change (glutamic acid 1392 retained).
Molecular consequence: synonymous variant. On other transcripts: 3 prime UTR variant (2).
Genome position (GRCh38, 1-based): chr16:15,724,350, C>T on the plus strand (G>A on the coding strand, the complement: MYH11 is on the minus strand). VCF-style: chr16-15724350-C-T. GRCh37 (hg19) VCF-style: chr16-15818207-C-T.
Other names: c.4197G>A, p.Glu1399= (NM_001040113.2, NM_001040114.2); c.4176G>A, p.Glu1392= (NM_022844.3); c.*99C>T (NM_001143979.2, NM_017668.3).
Identifiers: ClinVar variation 920549 (VCV000920549.7), dbSNP rs1376881641, ClinGen allele CA494088083.

ClinVar aggregate classification (germline): Likely benign. Review status: criteria provided, multiple submitters, no conflicts (2 of 4 stars). 3 submissions from 3 submitters: Likely benign (3). Last evaluated 2025-10-27.

Conditions:
Aortic aneurysm, familial thoracic 4 (AAT4). Also called: AORTIC ANEURYSM/AORTIC DISSECTION AND PATENT DUCTUS ARTERIOSUS. Identifiers: MedGen C1851504, MONDO:0007568, OMIM 132900.
Familial thoracic aortic aneurysm and aortic dissection (TAAD). Also called: Thoracic aortic aneurysms and dissections. Identifiers: Orphanet 91387, MedGen C4707243, MONDO:0019625.

Allele frequency attached by ClinVar (database versions not stated): gnomAD exomes below 0.00001; gnomAD 0.00001; TOPMed 0.00001.
gnomAD v4.1: 6 of 1,614,038 alleles (0.00037%); highest among the groups gnomAD compares: Non-Finnish European, 0.00051%; no homozygotes.

Submissions (3):

Labcorp Genetics (formerly Invitae), Labcorp
Classification: Likely benign for Aortic aneurysm, familial thoracic 4. Last evaluated: 2025-10-27. Review status: criteria provided, single submitter. Criteria: Invitae Variant Classification Sherloc (09022015). Collection method: clinical testing. Allele origin: germline.

All of Us Research Program, National Institutes of Health
Classification: Likely benign for Familial thoracic aortic aneurysm and aortic dissection. Last evaluated: 2023-12-01. Review status: criteria provided, single submitter. Criteria: ACMG Guidelines, 2015. Collection method: clinical testing. Allele origin: germline. Inheritance: Autosomal dominant inheritance. Observed: 4 variant alleles, 4 heterozygotes.
Comment: This study involves interpretation of variants in research participants for the purpose of population health screening. Participant phenotype was not available at the time of variant classification. Additional details can be found in publication PMID: 35346344, PMCID: PMC8962531

Color Diagnostics, LLC DBA Color Health
Classification: Likely benign for Familial thoracic aortic aneurysm and aortic dissection. Last evaluated: 2018-10-30. Review status: criteria provided, single submitter. Criteria: ACMG Guidelines, 2015. Collection method: clinical testing. Allele origin: germline.